The following is an entry in ClinVar:

NM_000057.4(BLM):c.2045G>A (p.Gly682Asp)

Gene: BLM (BLM RecQ like helicase; plus strand). Cytogenetic location: 15q26.1.
Variant type: single nucleotide variant.
Coding change: c.2045G>A on transcript NM_000057.4 (MANE Select); coding-DNA position 2045, G replaced by A.
Protein change: p.Gly682Asp; replaces glycine 682 with aspartic acid.
Molecular consequence: missense variant.
Genome position (GRCh38, 1-based): chr15:90,763,128, G>A. VCF-style: chr15-90763128-G-A. GRCh37 (hg19) VCF-style: chr15-91306358-G-A.
Other names: c.2045G>A, p.Gly682Asp (NM_001287246.2, NM_001287247.2); c.920G>A, p.Gly307Asp (NM_001287248.2); short protein forms G682D, G307D.
Identifiers: ClinVar variation 567151 (VCV000567151.19), dbSNP rs1342307269, ClinGen allele CA393844426.

ClinVar aggregate classification (germline): Uncertain significance. Review status: criteria provided, multiple submitters, no conflicts (2 of 4 stars). 3 submissions from 3 submitters: Uncertain significance (2). 1 of the submissions does not count toward it. Last evaluated 2025-08-18.

Conditions:
Bloom syndrome (BLM). Also called: Bloom-Torre-Machacek syndrome. Identifiers: Orphanet 125, MedGen C0005859, MONDO:0008876, OMIM 210900.
Hereditary cancer-predisposing syndrome. Also called: Neoplastic Syndromes, Hereditary; Tumor predisposition; Hereditary neoplastic syndrome; Hereditary Cancer Syndrome. Identifiers: Orphanet 140162, MedGen C0027672, MeSH D009386, MONDO:0015356.

Allele frequency attached by ClinVar (database versions not stated): gnomAD exomes below 0.00001 and 0.00001; TOPMed below 0.00001.
gnomAD v4.1: 6 of 1,614,048 alleles (0.00037%); highest among the groups gnomAD compares: Non-Finnish European, 0.00051%; no homozygotes.

Submissions (3):

Labcorp Genetics (formerly Invitae), Labcorp
Classification: Uncertain significance for Bloom syndrome. Last evaluated: 2025-08-18. Review status: criteria provided, single submitter. Criteria: Invitae Variant Classification Sherloc (09022015). Collection method: clinical testing. Allele origin: germline.
Comment: This sequence change replaces glycine, which is neutral and non-polar, with aspartic acid, which is acidic and polar, at codon 682 of the BLM protein (p.Gly682Asp). This variant is present in population databases (no rsID available, gnomAD 0.002%). This variant has not been reported in the literature in individuals affected with BLM-related conditions. ClinVar contains an entry for this variant (Variation ID: 567151). Invitae Evidence Modeling of protein sequence and biophysical properties (such as structural, functional, and spatial information, amino acid conservation, physicochemical variation, residue mobility, and thermodynamic stability) indicates that this missense variant is not expected to disrupt BLM protein function with a negative predictive value of 80%. In summary, the available evidence is currently insufficient to determine the role of this variant in disease. Therefore, it has been classified as a Variant of Uncertain Significance.

Ambry Genetics
Classification: Uncertain significance for Hereditary cancer-predisposing syndrome. Last evaluated: 2024-07-01. Review status: criteria provided, single submitter. Criteria: Ambry Variant Classification Scheme 2023. Collection method: clinical testing. Allele origin: germline.
Comment: The p.G682D variant (also known as c.2045G>A), located in coding exon 7 of the BLM gene, results from a G to A substitution at nucleotide position 2045. The glycine at codon 682 is replaced by aspartic acid, an amino acid with similar properties. This amino acid position is well conserved in available vertebrate species. In addition, this alteration is predicted to be deleterious by in silico analysis. Since supporting evidence is limited at this time, the clinical significance of this alteration remains unclear.

Natera, Inc.
Classification: Uncertain significance for Bloom syndrome. Last evaluated: 2018-08-31. Review status: no assertion criteria provided. Collection method: clinical testing. Allele origin: germline. Not counted in ClinVar's aggregate classification.